The following is an entry in ClinVar:

ClinVar aggregate classification (germline): Pathogenic (1 of 4 stars; one submission).

Conditions:
3-Oxo-5 alpha-steroid delta 4-dehydrogenase deficiency (PPSH). Also called: 46,XY disorder of sex development due to 5-alpha-reductase 2 deficiency; PSEUDOVAGINAL PERINEOSCROTAL HYPOSPADIAS; FAMILIAL INCOMPLETE MALE PSEUDOHERMAPHRODITISM, TYPE 2; MALE PSEUDOHERMAPHRODITISM DUE TO 5-ALPHA-REDUCTASE DEFICIENCY. Identifiers: Orphanet 753, MedGen C0268297, MONDO:0009923, OMIM 264600. Disease mechanism: loss of function.

Submission:

Clinical Biochemistry Laboratory, Health Services Laboratory
Classification: Pathogenic for 3-Oxo-5 alpha-steroid delta 4-dehydrogenase deficiency. Last evaluated: 2023-11-20. Review status: criteria provided, single submitter. Criteria: ACMG Guidelines, 2015. Collection method: clinical testing. Allele origin: germline. Affected: yes.
Comment: ACMG:PS5 PM2 PM3 PP4 PP5

Literature cited by the submitters: PubMed 21402750.

NM_000348.4(SRD5A2):c.587G>A (p.Gly196Asp)

Gene: SRD5A2 (steroid 5 alpha-reductase 2; minus strand). Cytogenetic location: 2p23.1.
Variant type: single nucleotide variant.
Coding change: c.587G>A on transcript NM_000348.4 (MANE Select); coding-DNA position 587, G replaced by A.
Protein change: p.Gly196Asp; replaces glycine 196 with aspartic acid.
Molecular consequence: missense variant.
Genome position (GRCh38, 1-based): chr2:31,529,418, C>T on the plus strand (G>A on the coding strand, the complement: SRD5A2 is on the minus strand). VCF-style: chr2-31529418-C-T. GRCh37 (hg19) VCF-style: chr2-31754488-C-T.
Other names: short protein forms G196D.
Identifiers: ClinVar variation 2674677 (VCV002674677.1), dbSNP rs2465625655, ClinGen allele CA346598066.